The following is an entry in ClinVar:

ClinVar aggregate classification (germline): Uncertain significance (1 of 4 stars; one submission).

Allele frequency attached by ClinVar (database versions not stated): gnomAD exomes below 0.00001.

Submission:

CeGaT Center for Human Genetics Tuebingen
Classification: Uncertain significance. Last evaluated: 2023-09-01. Review status: criteria provided, single submitter. Criteria: CeGaT Center For Human Genetics Tuebingen Variant Classification Criteria Version 2. Collection method: clinical testing. Allele origin: germline. Affected: yes. Observed: 1 variant allele.
Comment: SRRM2: PM2, BP4

NM_016333.4(SRRM2):c.1015G>A (p.Asp339Asn)

Gene: SRRM2 (serine/arginine repetitive matrix 2; plus strand). Cytogenetic location: 16p13.3.
Variant type: single nucleotide variant.
Coding change: c.1015G>A on transcript NM_016333.4 (MANE Select); coding-DNA position 1015, G replaced by A.
Protein change: p.Asp339Asn; replaces aspartic acid 339 with asparagine.
Molecular consequence: missense variant.
Genome position (GRCh38, 1-based): chr16:2,760,482, G>A. VCF-style: chr16-2760482-G-A. GRCh37 (hg19) VCF-style: chr16-2810483-G-A.
Other names: short protein forms D339N.
Identifiers: ClinVar variation 2646067 (VCV002646067.24), dbSNP rs1475332042, ClinGen allele CA394406936.